The following is an entry in ClinVar:

NM_198578.4(LRRK2):c.3644C>A (p.Ala1215Glu)

Gene: LRRK2 (leucine rich repeat kinase 2; plus strand). Cytogenetic location: 12q12.
Variant type: single nucleotide variant.
Coding change: c.3644C>A on transcript NM_198578.4 (MANE Select); coding-DNA position 3644, C replaced by A.
Protein change: p.Ala1215Glu; replaces alanine 1215 with glutamic acid.
Molecular consequence: missense variant.
Genome position (GRCh38, 1-based): chr12:40,304,001, C>A. VCF-style: chr12-40304001-C-A. GRCh37 (hg19) VCF-style: chr12-40697803-C-A.
Other names: short protein forms A1215E.
Identifiers: ClinVar variation 2567435 (VCV002567435.2), dbSNP rs2499781150, ClinGen allele CA384416632.
Genomic context (GRCh38, chr12:40,304,001, plus strand): 5'-GTTTTAGCTTGCGGTCTTTAGATATGAGCAGCAATGATATTCAGTACCTACCAGGTCCCG[C>A]ACACTGGAAATCTTTGAACTTAAGGGAACTCTTATTTAGCCATAATCAGATCAGCATCTT-3'
Protein context (NP_940980.4, residues 1205-1225): SNDIQYLPGP[Ala1215Glu]HWKSLNLREL

ClinVar aggregate classification (germline): Uncertain significance (1 of 4 stars; one submission).

Conditions:
Inborn genetic diseases. Identifiers: MedGen C0950123, MeSH D030342.

Allele frequency attached by ClinVar (database versions not stated): gnomAD exomes below 0.00001.
gnomAD v4.1: 1 of 1,613,710 alleles (0.000062%); highest among the groups gnomAD compares: Non-Finnish European, 0.000085%; no homozygotes.

Submission:

Ambry Genetics
Classification: Uncertain significance for Inborn genetic diseases. Last evaluated: 2023-06-01. Review status: criteria provided, single submitter. Criteria: Ambry Variant Classification Scheme 2023. Collection method: clinical testing. Allele origin: germline.
Comment: The p.A1215E variant (also known as c.3644C>A), located in coding exon 27 of the LRRK2 gene, results from a C to A substitution at nucleotide position 3644. The alanine at codon 1215 is replaced by glutamic acid, an amino acid with dissimilar properties. This amino acid position is conserved. In addition, this alteration is predicted to be tolerated by in silico analysis. Since supporting evidence is limited at this time, the clinical significance of this alteration remains unclear.